The following is an entry in ClinVar:

ClinVar aggregate classification (germline): Uncertain significance. Review status: criteria provided, multiple submitters, no conflicts (2 of 4 stars). 3 submissions from 3 submitters: Uncertain significance (3). Last evaluated 2024-06-02.

Conditions:
Hereditary cancer-predisposing syndrome. Also called: Tumor predisposition; Hereditary neoplastic syndrome; Hereditary Cancer Syndrome; Neoplastic Syndromes, Hereditary. Identifiers: Orphanet 140162, MedGen C0027672, MeSH D009386, MONDO:0015356.
Breast-ovarian cancer, familial, susceptibility to, 4. Identifiers: Orphanet 145, MedGen C3280345, MONDO:0013669, OMIM 614291.

Submissions (3):

Labcorp Genetics (formerly Invitae), Labcorp
Classification: Uncertain significance for Breast-ovarian cancer, familial, susceptibility to, 4. Last evaluated: 2024-06-02. Review status: criteria provided, single submitter. Criteria: Invitae Variant Classification Sherloc (09022015). Collection method: clinical testing. Allele origin: germline.
Comment: This sequence change replaces asparagine, which is neutral and polar, with aspartic acid, which is acidic and polar, at codon 123 of the RAD51D protein (p.Asn123Asp). This variant is not present in population databases (gnomAD no frequency). This variant has not been reported in the literature in individuals affected with RAD51D-related conditions. ClinVar contains an entry for this variant (Variation ID: 1171959). Advanced modeling of protein sequence and biophysical properties (such as structural, functional, and spatial information, amino acid conservation, physicochemical variation, residue mobility, and thermodynamic stability) performed at Invitae indicates that this missense variant is not expected to disrupt RAD51D protein function with a negative predictive value of 80%. In summary, the available evidence is currently insufficient to determine the role of this variant in disease. Therefore, it has been classified as a Variant of Uncertain Significance.

Ambry Genetics
Classification: Uncertain significance for Hereditary cancer-predisposing syndrome. Last evaluated: 2024-02-10. Review status: criteria provided, single submitter. Criteria: Ambry Variant Classification Scheme 2023. Collection method: clinical testing. Allele origin: germline.
Comment: The p.N123D variant (also known as c.367A>G), located in coding exon 5 of the RAD51D gene, results from an A to G substitution at nucleotide position 367. The asparagine at codon 123 is replaced by aspartic acid, an amino acid with highly similar properties. This amino acid position is conserved. In addition, the in silico prediction for this alteration is inconclusive. Based on the available evidence, the clinical significance of this alteration remains unclear.

Color Diagnostics, LLC DBA Color Health
Classification: Uncertain significance for Hereditary cancer-predisposing syndrome. Last evaluated: 2023-11-07. Review status: criteria provided, single submitter. Criteria: ACMG Guidelines, 2015. Collection method: clinical testing. Allele origin: germline.
Comment: This missense variant replaces asparagine with aspartic acid at codon 123 of the RAD51D protein. Computational prediction suggests that this variant may not impact protein structure and function. To our knowledge, functional studies have not been reported for this variant. This variant has not been reported in individuals affected with hereditary cancer in the literature. This variant has not been identified in the general population by the Genome Aggregation Database (gnomAD). The available evidence is insufficient to determine the role of this variant in disease conclusively. Therefore, this variant is classified as a Variant of Uncertain Significance.

NM_002878.4(RAD51D):c.367A>G (p.Asn123Asp)

Genes: RAD51L3-RFFL (RAD51L3-RFFL readthrough; minus strand), RAD51D (RAD51 paralog D; minus strand). Cytogenetic location: 17q12.
Variant type: single nucleotide variant.
Coding change: c.367A>G on transcript NM_002878.4 (MANE Select); coding-DNA position 367, A replaced by G.
Protein change: p.Asn123Asp; replaces asparagine 123 with aspartic acid.
Molecular consequence: missense variant. On other transcripts: non-coding transcript variant (1), intron variant (1).
Genome position (GRCh38, 1-based): chr17:35,107,101, T>C on the plus strand (A>G on the coding strand, the complement: RAD51D is on the minus strand). VCF-style: chr17-35107101-T-C. GRCh37 (hg19) VCF-style: chr17-33434120-T-C.
Other names: c.427A>G, p.Asn143Asp (NM_001142571.2); c.145-620A>G (NM_133629.3); short protein forms N123D, N143D.
Identifiers: ClinVar variation 1171959 (VCV001171959.11), dbSNP rs2142433737, ClinGen allele CA399089366.
Genomic context (GRCh38, chr17:35,107,101, plus strand): 5'-CTGTCAGCCCTCCATTGGAATCTACATATAGGACGTTTTGCTGCAGGCCATGGGCCACAT[T>C]TGCTGCCATACAGAGACATACCTGGGGGTGGGGGCATTGGATGAACTTGACACTTCAGAG-3'
Protein context (NP_002869.3, residues 113-133): KTQVCLCMAA[Asn123Asp]VAHGLQQNVL